The following is an entry in ClinVar:

ClinVar aggregate classification (germline): Uncertain significance (1 of 4 stars; one submission).

Conditions:
Malignant hyperthermia, susceptibility to, 1 (MHS1). Also called: Anesthesia related hyperthermia; Malignant hyperpyrexia; Fulminating hyperpyrexia; Pharmacogenic myopathy; RYR1-Related Malignant Hyperthermia Susceptibility; Malignant hyperthermia suceptibility 1. Identifiers: Orphanet 423, MedGen C2930980, MONDO:0007783, OMIM 145600.

Allele frequency attached by ClinVar (database versions not stated): gnomAD exomes 0.00001; ExAC 0.00002.
gnomAD v4.1: 4 of 1,612,048 alleles (0.00025%); highest among the groups gnomAD compares: Non-Finnish European, 0.00034%; no homozygotes.

Submission:

All of Us Research Program, National Institutes of Health
Classification: Uncertain significance for Malignant hyperthermia, susceptibility to, 1. Last evaluated: 2023-07-22. Review status: criteria provided, single submitter. Criteria: ACMG Guidelines, 2015. Collection method: clinical testing. Allele origin: germline. Inheritance: Autosomal dominant inheritance. Observed: 2 variant alleles, 2 heterozygotes.
Comment: This missense variant replaces serine with phenylalanine at codon 5009 of the RYR1 protein. Computational prediction suggests that this variant may have deleterious impact on protein structure and function (internally defined REVEL score threshold >= 0.7, PMID: 27666373). To our knowledge, functional studies have not been reported for this variant. This variant has not been reported in individuals affected with RYR1-related disorders in the literature. This variant has been identified in 1/251390 chromosomes in the general population by the Genome Aggregation Database (gnomAD). The available evidence is insufficient to determine the role of this variant in disease conclusively. Therefore, this variant is classified as a Variant of Uncertain Significance.

This study involves interpretation of variants in research participants for the purpose of population health screening. Participant phenotype was not available at the time of variant classification. Additional details can be found in publication PMID: 35346344, PMCID: PMC8962531

NM_000540.3(RYR1):c.15026C>T (p.Ser5009Phe)

Gene: RYR1 (ryanodine receptor 1; plus strand). Cytogenetic location: 19q13.2.
Variant type: single nucleotide variant.
Coding change: c.15026C>T on transcript NM_000540.3 (MANE Select); coding-DNA position 15026, C replaced by T.
Protein change: p.Ser5009Phe; replaces serine 5009 with phenylalanine.
Molecular consequence: missense variant.
Genome position (GRCh38, 1-based): chr19:38,587,329, C>T. VCF-style: chr19-38587329-C-T. GRCh37 (hg19) VCF-style: chr19-39077969-C-T.
Other names: c.15011C>T, p.Ser5004Phe (NM_001042723.2); short protein forms S5004F, S5009F.
Identifiers: ClinVar variation 3070980 (VCV003070980.1), dbSNP rs767069768, ClinGen allele CA062023.